The following is an entry in ClinVar:

ClinVar aggregate classification (germline): Uncertain significance. Review status: criteria provided, multiple submitters, no conflicts (2 of 4 stars). 4 submissions from 4 submitters: Uncertain significance (4). Last evaluated 2024-05-11.

Conditions:
Imerslund-Grasbeck syndrome type 2. Also called: MEGALOBLASTIC ANEMIA, NORWEGIAN TYPE; Imerslund-Gräsbeck syndrome 2; Megaloblastic anemia 1, Norwegian type. Identifiers: MedGen C4016948, MONDO:0100157, OMIM 618882.
Imerslund-Grasbeck syndrome. Also called: PERNICIOUS ANEMIA, JUVENILE, DUE TO SELECTIVE INTESTINAL MALABSORPTION OF VITAMIN B12, WITH PROTEINURIA; ENTEROCYTE COBALAMIN MALABSORPTION; ENTEROCYTE INTRINSIC FACTOR RECEPTOR, DEFECT OF; Megaloblastic anemia due to inborn errors of metabolism; Imerslund-Gräsbeck syndrome. Identifiers: Orphanet 35858, MedGen C4551825, MONDO:0009853.
Inborn genetic diseases. Identifiers: MedGen C0950123, MeSH D030342.

Allele frequency attached by ClinVar (database versions not stated): gnomAD exomes 0.00006; ExAC 0.00017; 1000 Genomes Project 30x 0.00031; ESP Exome Variant Server 0.00032; 1000 Genomes Project 0.00040.
gnomAD v4.1: 64 of 1,551,022 alleles (0.0041%); highest among the groups gnomAD compares: African/African-American, 0.079%; no homozygotes.

Submissions (4):

Fulgent Genetics
Classification: Uncertain significance for Imerslund-Grasbeck syndrome type 2. Last evaluated: 2024-05-11. Review status: criteria provided, single submitter. Criteria: ACMG Guidelines, 2015. Collection method: clinical testing. Allele origin: germline.

Ambry Genetics
Classification: Uncertain significance for Inborn genetic diseases. Last evaluated: 2024-03-28. Review status: criteria provided, single submitter. Criteria: Ambry Variant Classification Scheme 2023. Collection method: clinical testing. Allele origin: germline.

Labcorp Genetics (formerly Invitae), Labcorp
Classification: Uncertain significance for Imerslund-Grasbeck syndrome. Last evaluated: 2022-08-16. Review status: criteria provided, single submitter. Criteria: Invitae Variant Classification Sherloc (09022015). Collection method: clinical testing. Allele origin: germline.
Comment: This sequence change replaces arginine, which is basic and polar, with tryptophan, which is neutral and slightly polar, at codon 269 of the AMN protein (p.Arg269Trp). The frequency data for this variant in the population databases is considered unreliable, as metrics indicate poor data quality at this position in the gnomAD database. This variant has not been reported in the literature in individuals affected with AMN-related conditions. ClinVar contains an entry for this variant (Variation ID: 967081). Algorithms developed to predict the effect of missense changes on protein structure and function are either unavailable or do not agree on the potential impact of this missense change (SIFT: "Deleterious"; PolyPhen-2: "Possibly Damaging"; Align-GVGD: "Class C0"). In summary, the available evidence is currently insufficient to determine the role of this variant in disease. Therefore, it has been classified as a Variant of Uncertain Significance.

Breakthrough Genomics
Classification: Uncertain significance. Review status: criteria provided, single submitter. Criteria: ACMG Guidelines, 2015. Collection method: not provided. Allele origin: germline. Inheritance: Autosomal recessive inheritance. Affected: yes.

NM_030943.4(AMN):c.805C>T (p.Arg269Trp)

Gene: AMN (amnion associated transmembrane protein; plus strand). Cytogenetic location: 14q32.32.
Variant type: single nucleotide variant.
Coding change: c.805C>T on transcript NM_030943.4 (MANE Select); coding-DNA position 805, C replaced by T.
Protein change: p.Arg269Trp; replaces arginine 269 with tryptophan.
Molecular consequence: missense variant.
Genome position (GRCh38, 1-based): chr14:102,929,699, C>T. VCF-style: chr14-102929699-C-T. GRCh37 (hg19) VCF-style: chr14-103396036-C-T.
Other names: short protein forms R269W.
Identifiers: ClinVar variation 967081 (VCV000967081.10), dbSNP rs200712130, ClinGen allele CA7360006.